The following is an entry in ClinVar:

ClinVar aggregate classification (germline): Likely benign (1 of 4 stars; one submission).

Submission:

CeGaT Center for Human Genetics Tuebingen
Classification: Likely benign. Last evaluated: 2024-03-01. Review status: criteria provided, single submitter. Criteria: CeGaT Center For Human Genetics Tuebingen Variant Classification Criteria Version 2. Collection method: clinical testing. Allele origin: germline. Affected: yes. Observed: 1 variant allele.
Comment: HSPG2: PM2:Supporting, BP4, BP7

NM_005529.7(HSPG2):c.3546G>C (p.Thr1182=)

Gene: HSPG2 (heparan sulfate proteoglycan 2; minus strand). Cytogenetic location: 1p36.12.
Variant type: single nucleotide variant.
Coding change: c.3546G>C on transcript NM_005529.7 (MANE Select); coding-DNA position 3546, G replaced by C.
Protein change: p.Thr1182=; no amino-acid change (threonine 1182 retained).
Molecular consequence: synonymous variant.
Genome position (GRCh38, 1-based): chr1:21,874,516, C>G on the plus strand (G>C on the coding strand, the complement: HSPG2 is on the minus strand). VCF-style: chr1-21874516-C-G. GRCh37 (hg19) VCF-style: chr1-22201009-C-G.
Other names: c.3549G>C, p.Thr1183= (NM_001291860.2).
Identifiers: ClinVar variation 3234395 (VCV003234395.20), dbSNP rs1019700649, ClinGen allele CA416562358.